The following is an entry in ClinVar:

NM_024422.6(DSC2):c.69+9A>G

Genes: DSC2 (desmocollin 2; minus strand), DSCAS (DSC1/DSC2 antisense RNA; plus strand). Cytogenetic location: 18q12.1.
Variant type: single nucleotide variant.
Coding change: c.69+9A>G on transcript NM_024422.6 (MANE Select); 9 bases into the intron after coding-DNA position 69, A replaced by G.
Molecular consequence: intron variant.
Genome position (GRCh38, 1-based): chr18:31,101,894, T>C on the plus strand (A>G on the coding strand, the complement: DSC2 is on the minus strand). VCF-style: chr18-31101894-T-C. GRCh37 (hg19) VCF-style: chr18-28681857-T-C.
Other names: c.69+9A>G (NM_004949.5, NM_024422.4).
Identifiers: ClinVar variation 1123885 (VCV001123885.12), dbSNP rs1268711423, ClinGen allele CA629137537.
Genomic context (GRCh38, chr18:31,101,894, plus strand): 5'-CCCCTAGTTTTCCTCTGCACCCTAGGCGATCGCCCCCTTCCCCGGAGCGGTGGCCGCGGC[T>C]ACACTCACCGCGAGGGTCAGCAGGAGCAGCCGGCAGAGGGCTCCGTTCCAGGAGCCGGAG-3'

ClinVar aggregate classification (germline): Likely benign. Review status: criteria provided, multiple submitters, no conflicts (2 of 4 stars). 3 submissions from 3 submitters: Likely benign (2). 1 of the submissions does not count toward it. Last evaluated 2026-01-27.

Conditions:
DSC2-related disorder. Also called: DSC2-related condition.
Arrhythmogenic right ventricular dysplasia 11. Also called: Arrhythmogenic Right Ventricular Dysplasia/Cardiomyopathy11; ARRHYTHMOGENIC RIGHT VENTRICULAR DYSPLASIA, FAMILIAL, 11; Arrhythmogenic right ventricular dysplasia 11 with mild palmoplantar keratoderma and woolly hair. Identifiers: MedGen C1864850, MONDO:0012506, OMIM 610476.

Allele frequency attached by ClinVar (database versions not stated): gnomAD exomes below 0.00001 and 0.00002.
gnomAD v4.1: 4 of 1,530,802 alleles (0.00026%); highest among the groups gnomAD compares: East Asian, 0.0075%; no homozygotes.

Submissions (3):

Labcorp Genetics (formerly Invitae), Labcorp
Classification: Likely benign for Arrhythmogenic right ventricular dysplasia 11. Last evaluated: 2026-01-27. Review status: criteria provided, single submitter. Criteria: Invitae Variant Classification Sherloc (09022015). Collection method: clinical testing. Allele origin: germline.

Molecular Diagnostic Laboratory for Inherited Cardiovascular Disease, Montreal Heart Institute
Classification: Likely benign. Last evaluated: 2025-04-09. Review status: criteria provided, single submitter. Criteria: ACMG Guidelines, 2015. Collection method: clinical testing. Allele origin: germline. Affected: no.
Comment: BP6

PreventionGenetics, part of Exact Sciences
Classification: Likely benign for DSC2-related condition. Last evaluated: 2022-03-31. Review status: no assertion criteria provided. Collection method: clinical testing. Allele origin: germline. Not counted in ClinVar's aggregate classification.
Comment: This variant is classified as likely benign based on ACMG/AMP sequence variant interpretation guidelines (Richards et al. 2015 PMID: 25741868, with internal and published modifications).